The following is an entry in ClinVar:

NM_000535.7(PMS2):c.325G>T (p.Glu109Ter)

Gene: PMS2 (PMS1 homolog 2, mismatch repair system component; minus strand). Cytogenetic location: 7p22.1.
Variant type: single nucleotide variant.
Coding change: c.325G>T on transcript NM_000535.7 (MANE Select); coding-DNA position 325, G replaced by T.
Protein change: p.Glu109Ter; replaces glutamic acid 109 with a stop codon.
Molecular consequence: nonsense. On other transcripts: 5 prime UTR variant (9), non-coding transcript variant (1), intron variant (2).
Genome position (GRCh38, 1-based): chr7:6,003,718, C>A on the plus strand (G>T on the coding strand, the complement: PMS2 is on the minus strand). VCF-style: chr7-6003718-C-A. GRCh37 (hg19) VCF-style: chr7-6043349-C-A.
Other names: c.-81G>T (NM_001322003.2, NM_001322004.2, NM_001322005.2 and 3 more transcripts); c.325G>T, p.Glu109Ter (NM_001322006.2, NM_001322014.2); c.-560G>T (NM_001322011.2, NM_001322012.2); c.-160G>T (NM_001322015.2); c.35+254G>T (NM_001322008.2, NM_001322007.2); short protein forms E109*.
Identifiers: ClinVar variation 1350177 (VCV001350177.10), dbSNP rs63749862, ClinGen allele CA366744579.

ClinVar aggregate classification (germline): Pathogenic/Likely pathogenic. Review status: criteria provided, multiple submitters, no conflicts (2 of 4 stars). 3 submissions from 3 submitters: Pathogenic (2); Likely pathogenic (1). Last evaluated 2024-08-07.

Conditions:
Hereditary cancer-predisposing syndrome. Also called: Hereditary neoplastic syndrome; Tumor predisposition; Neoplastic Syndromes, Hereditary; Hereditary Cancer Syndrome. Identifiers: Orphanet 140162, MedGen C0027672, MeSH D009386, MONDO:0015356.
Hereditary nonpolyposis colorectal neoplasms. Identifiers: MedGen C0009405, MeSH D003123.
Lynch syndrome 4 (LYNCH4). Also called: Hereditary non-polyposis colorectal cancer, type 4; Colorectal cancer, hereditary nonpolyposis, type 4. Identifiers: Orphanet 144, MedGen C1838333, MONDO:0013699, OMIM 614337. Disease mechanism: loss of function.

Submissions (3):

Ambry Genetics
Classification: Likely pathogenic for Hereditary cancer-predisposing syndrome. Last evaluated: 2024-08-07. Review status: criteria provided, single submitter. Criteria: Ambry Variant Classification Scheme 2023. Collection method: clinical testing. Allele origin: germline.
Comment: The p.E109* variant (also known as c.325G>T), located in coding exon 4 of the PMS2 gene, results from a G to T substitution at nucleotide position 325. This changes the amino acid from a glutamic acid to a stop codon within coding exon 4. This alteration is expected to result in loss of function by premature protein truncation or nonsense-mediated mRNA decay. In silico analysis predicts that this alteration will abolish the native splice donor site and this alteration will result in the creation or strengthening of a novel splice donor site. RNA studies have demonstrated that this alteration results in a transcript predicted to lead to a protein with an in-frame deletion of 10 amino acids that removes the premature stop codon. The exact functional impact of the deleted amino acids is unknown at this time; however, the impacted region is critical for protein function (Ambry internal data). This variant is considered to be rare based on population cohorts in the Genome Aggregation Database (gnomAD). Based on the majority of available evidence to date, this variant is likely to be pathogenic.

Labcorp Genetics (formerly Invitae), Labcorp
Classification: Pathogenic for Hereditary nonpolyposis colorectal neoplasms. Last evaluated: 2024-01-11. Review status: criteria provided, single submitter. Criteria: Invitae Variant Classification Sherloc (09022015). Collection method: clinical testing. Allele origin: germline.
Comment: This sequence change creates a premature translational stop signal (p.Glu109*) in the PMS2 gene. It is expected to result in an absent or disrupted protein product. Loss-of-function variants in PMS2 are known to be pathogenic (PMID: 21376568, 24362816). This variant is not present in population databases (gnomAD no frequency). This variant has not been reported in the literature in individuals affected with PMS2-related conditions. ClinVar contains an entry for this variant (Variation ID: 1350177). Algorithms developed to predict the effect of sequence changes on RNA splicing suggest that this variant may disrupt the consensus splice site. For these reasons, this variant has been classified as Pathogenic.

Myriad Genetics, Inc.
Classification: Pathogenic for Lynch syndrome 4. Last evaluated: 2023-09-18. Review status: criteria provided, single submitter. Criteria: Myriad Autosomal Dominant, Autosomal Recessive and X-Linked Classification Criteria (2023). Collection method: clinical testing. Allele origin: unknown.
Comment: This variant is considered pathogenic. This variant creates a termination codon and is predicted to result in premature protein truncation.

Literature cited by the submitters: PubMed 21376568 (cited by Labcorp Genetics (formerly Invitae), Labcorp); PubMed 24362816 (cited by Labcorp Genetics (formerly Invitae), Labcorp).